The following is an entry in ClinVar:

NM_004006.3(DMD):c.7873C>T (p.Gln2625Ter)

Gene: DMD (dystrophin; minus strand). Cytogenetic location: Xp21.1.
Variant type: single nucleotide variant.
Coding change: c.7873C>T on transcript NM_004006.3 (MANE Select); coding-DNA position 7873, C replaced by T.
Protein change: p.Gln2625Ter; replaces glutamine 2625 with a stop codon.
Molecular consequence: nonsense.
Genome position (GRCh38, 1-based): chrX:31,658,144, G>A on the plus strand (C>T on the coding strand, the complement: DMD is on the minus strand). VCF-style: chrX-31658144-G-A. GRCh37 (hg19) VCF-style: chrX-31676261-G-A.
Other names: c.7849C>T, p.Gln2617Ter (NM_000109.4); c.7861C>T, p.Gln2621Ter (NM_004009.3); c.7504C>T, p.Gln2502Ter (NM_004010.3); c.3850C>T, p.Gln1284Ter (NM_004011.4); c.3841C>T, p.Gln1281Ter (NM_004012.4); c.493C>T, p.Gln165Ter (NM_004013.3, NM_004020.4, NM_004021.3 and 2 more transcripts); short protein forms Q1281*, Q1284*, Q165*, Q2502*, Q2617*, Q2621*, Q2625*.
Identifiers: ClinVar variation 2502038 (VCV002502038.1), dbSNP rs2148616294, ClinGen allele CA412656052.

ClinVar aggregate classification (germline): Likely pathogenic (1 of 4 stars; one submission).

Submission:

GeneDx
Classification: Likely pathogenic. Last evaluated: 2022-11-11. Review status: criteria provided, single submitter. Criteria: GeneDx Variant Classification Process June 2021. Collection method: clinical testing. Allele origin: germline. Affected: yes.
Comment: Reported previously in a patient with DMD; however, no further clinical or segregation information was provided (Okubo et al., 2017); Nonsense variant predicted to result in protein truncation or nonsense mediated decay in a gene for which loss of function is a known mechanism of disease; Not observed at significant frequency in large population cohorts (gnomAD); Based on the understanding of this genetic alteration, it may be amenable to nonsense read-through therapy that is currently available or in clinical trial; This variant is associated with the following publications: (PMID: 28859693)